The following is an entry in ClinVar:

NM_033641.4(COL4A6):c.557G>A (p.Gly186Glu)

Gene: COL4A6 (collagen type IV alpha 6 chain; minus strand). Cytogenetic location: Xq22.3.
Variant type: single nucleotide variant.
Coding change: c.557G>A on transcript NM_033641.4 (MANE Select); coding-DNA position 557, G replaced by A.
Protein change: p.Gly186Glu; replaces glycine 186 with glutamic acid.
Molecular consequence: missense variant.
Genome position (GRCh38, 1-based): chrX:108,206,570, C>T on the plus strand (G>A on the coding strand, the complement: COL4A6 is on the minus strand). VCF-style: chrX-108206570-C-T. GRCh37 (hg19) VCF-style: chrX-107449800-C-T.
Other names: c.557G>A, p.Gly186Glu (NM_001287758.2, NM_001287759.2, NM_001287760.2); c.560G>A, p.Gly187Glu (NM_001847.4); short protein forms G186E, G187E.
Identifiers: ClinVar variation 1401853 (VCV001401853.7), dbSNP rs1467570000, ClinGen allele CA413903442.

ClinVar aggregate classification (germline): Uncertain significance (1 of 4 stars; one submission).

Allele frequency attached by ClinVar (database versions not stated): gnomAD exomes below 0.00001 and 0.00002; gnomAD 0.00003; TOPMed 0.00003.
gnomAD v4.1: 7 of 1,207,734 alleles (0.00058%); highest among the groups gnomAD compares: African/African-American, 0.0018%; no homozygotes.

Submission:

Labcorp Genetics (formerly Invitae), Labcorp
Classification: Uncertain significance. Last evaluated: 2022-03-09. Review status: criteria provided, single submitter. Criteria: Invitae Variant Classification Sherloc (09022015). Collection method: clinical testing. Allele origin: germline.
Comment: This variant has not been reported in the literature in individuals affected with COL4A6-related conditions. This variant is present in population databases (no rsID available, gnomAD 0.006%). This sequence change replaces glycine, which is neutral and non-polar, with glutamic acid, which is acidic and polar, at codon 187 of the COL4A6 protein (p.Gly187Glu). Algorithms developed to predict the effect of missense changes on protein structure and function are either unavailable or do not agree on the potential impact of this missense change (SIFT: "Deleterious"; PolyPhen-2: "Not Available"; Align-GVGD: "Class C0"). In summary, the available evidence is currently insufficient to determine the role of this variant in disease. Therefore, it has been classified as a Variant of Uncertain Significance.